The following is an entry in ClinVar:

ClinVar aggregate classification (germline): Likely benign. Review status: criteria provided, multiple submitters, no conflicts (2 of 4 stars). 3 submissions from 3 submitters: Likely benign (3). Last evaluated 2025-01-14.

Conditions:
Inborn genetic diseases. Identifiers: MedGen C0950123, MeSH D030342.
Baller-Gerold syndrome (BGS). Also called: CRANIOSYNOSTOSIS WITH RADIAL DEFECTS. Identifiers: Orphanet 1225, MedGen C0265308, MONDO:0009039, OMIM 218600.

Allele frequency attached by ClinVar (database versions not stated): ExAC 0.00001.

Submissions (3):

Ambry Genetics
Classification: Likely benign for Inborn genetic diseases. Last evaluated: 2025-01-14. Review status: criteria provided, single submitter. Criteria: Ambry Variant Classification Scheme 2023. Collection method: clinical testing. Allele origin: germline.

Labcorp Genetics (formerly Invitae), Labcorp
Classification: Likely benign for Baller-Gerold syndrome. Last evaluated: 2023-12-11. Review status: criteria provided, single submitter. Criteria: Invitae Variant Classification Sherloc (09022015). Collection method: clinical testing. Allele origin: germline.

CeGaT Center for Human Genetics Tuebingen
Classification: Likely benign. Last evaluated: 2022-03-01. Review status: criteria provided, single submitter. Criteria: CeGaT Center For Human Genetics Tuebingen Variant Classification Criteria Version 2. Collection method: clinical testing. Allele origin: germline. Affected: yes. Observed: 1 variant allele.
Comment: RECQL4: BP4, BP7

NM_004260.4(RECQL4):c.816C>G (p.Pro272=)

Gene: RECQL4 (RecQ like helicase 4; minus strand). Cytogenetic location: 8q24.3.
Variant type: single nucleotide variant.
Coding change: c.816C>G on transcript NM_004260.4 (MANE Select); coding-DNA position 816, C replaced by G.
Protein change: p.Pro272=; no amino-acid change (proline 272 retained).
Molecular consequence: synonymous variant. On other transcripts: 5 prime UTR variant (17), non-coding transcript variant (3).
Genome position (GRCh38, 1-based): chr8:144,516,303, G>C on the plus strand (C>G on the coding strand, the complement: RECQL4 is on the minus strand). VCF-style: chr8-144516303-G-C. GRCh37 (hg19) VCF-style: chr8-145741687-G-C.
Other names: c.816C>G, p.Pro272= (NM_001413036.1, NM_001413039.1, NM_001413017.1 and 4 more transcripts); c.-256C>G (NM_001413037.1, NM_001413038.1, NM_001413040.1 and 7 more transcripts); c.-318C>G (NM_001413041.1, NM_001413027.1, NM_001413030.1 and 2 more transcripts); c.-525C>G (NM_001413043.1); c.687C>G, p.Pro229= (NM_001413025.1); c.465C>G, p.Pro155= (NM_001413029.1); c.-160C>G (NM_001413034.1); c.816C>G (NM_004260.3).
Identifiers: ClinVar variation 2173771 (VCV002173771.29), dbSNP rs761367573, ClinGen allele CA4949171.